The following is an entry in ClinVar:

ClinVar aggregate classification (germline): Uncertain significance. Review status: criteria provided, multiple submitters, no conflicts (2 of 4 stars). 3 submissions from 3 submitters: Uncertain significance (2). 1 of the submissions does not count toward it. Last evaluated 2023-01-01.

Conditions:
AGRN-related disorder. Also called: AGRN-related condition.
Congenital myasthenic syndrome 8. Also called: MYASTHENIC SYNDROME, CONGENITAL, DUE TO AGRIN DEFICIENCY; Myasthenic syndrome, congenital, 8, with pre- and postsynaptic defects. Identifiers: Orphanet 590, MedGen C3808739, MONDO:0014052, OMIM 615120.

Allele frequency attached by ClinVar (database versions not stated): gnomAD exomes 0.00009 and 0.00013; gnomAD 0.00011 and 0.00013; ExAC 0.00012; TOPMed 0.00015.
gnomAD v4.1: 147 of 1,590,160 alleles (0.0092%); highest among the groups gnomAD compares: Middle Eastern, 0.017%; no homozygotes.

Submissions (3):

CeGaT Center for Human Genetics Tuebingen
Classification: Uncertain significance. Last evaluated: 2023-01-01. Review status: criteria provided, single submitter. Criteria: CeGaT Center For Human Genetics Tuebingen Variant Classification Criteria Version 2. Collection method: clinical testing. Allele origin: germline. Affected: yes. Observed: 1 variant allele.
Comment: AGRN: PM2, PM3:Supporting, BP4

Labcorp Genetics (formerly Invitae), Labcorp
Classification: Uncertain significance for Congenital myasthenic syndrome 8. Last evaluated: 2022-08-16. Review status: criteria provided, single submitter. Criteria: Invitae Variant Classification Sherloc (09022015). Collection method: clinical testing. Allele origin: germline.
Comment: This sequence change falls in intron 7 of the AGRN gene. It does not directly change the encoded amino acid sequence of the AGRN protein. It affects a nucleotide within the consensus splice site. This variant is present in population databases (rs763495287, gnomAD 0.02%). This variant has not been reported in the literature in individuals affected with AGRN-related conditions. ClinVar contains an entry for this variant (Variation ID: 847242). Variants that disrupt the consensus splice site are a relatively common cause of aberrant splicing (PMID: 17576681, 9536098). Algorithms developed to predict the effect of sequence changes on RNA splicing suggest that this variant is not likely to affect RNA splicing. In summary, the available evidence is currently insufficient to determine the role of this variant in disease. Therefore, it has been classified as a Variant of Uncertain Significance.

PreventionGenetics, part of Exact Sciences
Classification: Likely benign for AGRN-related condition. Last evaluated: 2021-01-05. Review status: no assertion criteria provided. Collection method: clinical testing. Allele origin: germline. Not counted in ClinVar's aggregate classification.
Comment: This variant is classified as likely benign based on ACMG/AMP sequence variant interpretation guidelines (Richards et al. 2015 PMID: 25741868, with internal and published modifications).

Literature cited by the submitters: PubMed 17576681 (cited by Labcorp Genetics (formerly Invitae), Labcorp); PubMed 9536098 (cited by Labcorp Genetics (formerly Invitae), Labcorp).

NM_198576.4(AGRN):c.1384+6C>T

Gene: AGRN (agrin; plus strand). Cytogenetic location: 1p36.33.
Variant type: single nucleotide variant.
Coding change: c.1384+6C>T on transcript NM_198576.4 (MANE Select); 6 bases into the intron after coding-DNA position 1384, C replaced by T.
Molecular consequence: intron variant.
Genome position (GRCh38, 1-based): chr1:1,042,168, C>T. VCF-style: chr1-1042168-C-T. GRCh37 (hg19) VCF-style: chr1-977548-C-T.
Other names: c.1384+6C>T (NM_001305275.2); c.1069+6C>T (NM_001364727.2).
Identifiers: ClinVar variation 847242 (VCV000847242.33), dbSNP rs763495287, ClinGen allele CA508124.